The following is an entry in ClinVar:

NM_001083962.2(TCF4):c.505C>T (p.Gln169Ter)

Gene: TCF4 (transcription factor 4; minus strand). Cytogenetic location: 18q21.2.
Variant type: single nucleotide variant.
Coding change: c.505C>T on transcript NM_001083962.2 (MANE Select); coding-DNA position 505, C replaced by T.
Protein change: p.Gln169Ter; replaces glutamine 169 with a stop codon.
Molecular consequence: nonsense.
Genome position (GRCh38, 1-based): chr18:55,350,403, G>A on the plus strand (C>T on the coding strand, the complement: TCF4 is on the minus strand). VCF-style: chr18-55350403-G-A. GRCh37 (hg19) VCF-style: chr18-53017634-G-A.
Other names: c.811C>T, p.Gln271Ter (NM_001243226.3); c.433C>T, p.Gln145Ter (NM_001243227.2, NM_001306207.1, NM_001348217.1 and 9 more transcripts); c.505C>T, p.Gln169Ter (NM_001243228.2, NM_001330604.3, NM_001369567.1 and 5 more transcripts); c.499C>T, p.Gln167Ter (NM_001243230.2); c.379C>T, p.Gln127Ter (NM_001243231.2, NM_001348211.2); c.292C>T, p.Gln98Ter (NM_001243232.1, NM_001306208.1); c.115C>T, p.Gln39Ter (NM_001243233.2, NM_001330605.3, NM_001348212.2 and 1 more transcripts); c.430C>T, p.Gln144Ter (NM_001348220.1, NM_001369576.1, NM_001369578.1 and 3 more transcripts); and 1 more; short protein forms Q127*, Q168*, Q169*, Q144*, Q145*, Q271*, Q167*, Q98*.
Identifiers: ClinVar variation 3175156 (VCV003175156.2), dbSNP rs1555917595, ClinGen allele CA402702420.

ClinVar aggregate classification (germline): Pathogenic. Review status: criteria provided, multiple submitters, no conflicts (2 of 4 stars). 2 submissions from 2 submitters: Pathogenic (2). Last evaluated 2024-03-07.

Conditions:
Inborn genetic diseases. Identifiers: MedGen C0950123, MeSH D030342.

Submissions (2):

Ambry Genetics
Classification: Pathogenic for Inborn genetic diseases. Last evaluated: 2024-03-07. Review status: criteria provided, single submitter. Criteria: Ambry Variant Classification Scheme 2023. Collection method: clinical testing. Allele origin: germline.
Comment: The c.505C>T (p.Q169*) alteration, located in exon 8 (coding exon 7) of the TCF4 gene, consists of a C to T substitution at nucleotide position 505. This changes the amino acid from a glutamine (Q) to a stop codon at amino acid position 169. This alteration is expected to result in loss of function by premature protein truncation or nonsense-mediated mRNA decay. This variant was not reported in population-based cohorts in the Genome Aggregation Database (gnomAD). Based on the available evidence, this alteration is classified as pathogenic.

GeneDx
Classification: Pathogenic. Last evaluated: 2024-01-23. Review status: criteria provided, single submitter. Criteria: GeneDx Variant Classification Process June 2021. Collection method: clinical testing. Allele origin: germline. Affected: yes.
Comment: Not observed at significant frequency in large population cohorts (gnomAD); Nonsense variant predicted to result in protein truncation or nonsense mediated decay in a gene for which loss of function is a known mechanism of disease; This variant is associated with the following publications: (PMID: 26350204)